The following is an entry in ClinVar:

ClinVar aggregate classification (germline): Uncertain significance. Review status: criteria provided, multiple submitters, no conflicts (2 of 4 stars). 3 submissions from 3 submitters: Uncertain significance (3). Last evaluated 2024-08-22.

Conditions:
Cone-rod dystrophy 9 (CORD9). Identifiers: Orphanet 1872, MedGen C1423873, MONDO:0013002, OMIM 612775.

Allele frequency attached by ClinVar (database versions not stated): ExAC 0.00001; gnomAD exomes 0.00004 and 0.00009; gnomAD 0.00005; TOPMed 0.00006; ESP Exome Variant Server 0.00008.
gnomAD v4.1: 130 of 1,614,102 alleles (0.0081%); highest among the groups gnomAD compares: Non-Finnish European, 0.011%; no homozygotes.

Submissions (3):

Blueprint Genetics
Classification: Uncertain significance. Last evaluated: 2024-08-22. Review status: criteria provided, single submitter. Criteria: ACMG Guidelines, 2015. Collection method: clinical testing. Allele origin: germline.

Labcorp Genetics (formerly Invitae), Labcorp
Classification: Uncertain significance. Last evaluated: 2022-07-06. Review status: criteria provided, single submitter. Criteria: Invitae Variant Classification Sherloc (09022015). Collection method: clinical testing. Allele origin: germline.
Comment: This sequence change replaces phenylalanine, which is neutral and non-polar, with leucine, which is neutral and non-polar, at codon 341 of the ADAM9 protein (p.Phe341Leu). This variant is present in population databases (rs143659261, gnomAD 0.007%). This variant has not been reported in the literature in individuals affected with ADAM9-related conditions. ClinVar contains an entry for this variant (Variation ID: 911527). Algorithms developed to predict the effect of missense changes on protein structure and function are either unavailable or do not agree on the potential impact of this missense change (SIFT: "Deleterious"; PolyPhen-2: "Probably Damaging"; Align-GVGD: "Class C0"). In summary, the available evidence is currently insufficient to determine the role of this variant in disease. Therefore, it has been classified as a Variant of Uncertain Significance.

Illumina Laboratory Services, Illumina
Classification: Uncertain significance for Cone-rod dystrophy 9. Last evaluated: 2018-01-13. Review status: criteria provided, single submitter. Criteria: ICSL Variant Classification Criteria 13 December 2019. Collection method: clinical testing. Allele origin: germline.

NM_003816.3(ADAM9):c.1023T>A (p.Phe341Leu)

Gene: ADAM9 (ADAM metallopeptidase domain 9; plus strand). Cytogenetic location: 8p11.22.
Variant type: single nucleotide variant.
Coding change: c.1023T>A on transcript NM_003816.3 (MANE Select); coding-DNA position 1023, T replaced by A.
Protein change: p.Phe341Leu; replaces phenylalanine 341 with leucine.
Molecular consequence: missense variant. On other transcripts: non-coding transcript variant (3).
Genome position (GRCh38, 1-based): chr8:39,026,703, T>A. VCF-style: chr8-39026703-T-A. GRCh37 (hg19) VCF-style: chr8-38884222-T-A.
Other names: short protein forms F341L.
Identifiers: ClinVar variation 911527 (VCV000911527.9), dbSNP rs143659261, ClinGen allele CA4721515.
Genomic context (GRCh38, chr8:39,026,703, plus strand): 5'-AGAAACCTAATTACTACCTTCCTGTTCTGAACAGTTTGGACAAATCACTGTGGAGACATT[T>A]GCTTCCATTGTTGCTCATGAATTGGGTCATAATCTTGGAATGAATCACGATGATGGGAGA-3'
Protein context (NP_003807.1, residues 331-351): NVFGQITVET[Phe341Leu]ASIVAHELGH